The following is an entry in ClinVar:

NM_006295.3(VARS1):c.1251G>A (p.Trp417Ter)

Gene: VARS1 (valyl-tRNA synthetase 1; minus strand). Cytogenetic location: 6p21.33.
Variant type: single nucleotide variant.
Coding change: c.1251G>A on transcript NM_006295.3 (MANE Select); coding-DNA position 1251, G replaced by A.
Protein change: p.Trp417Ter; replaces tryptophan 417 with a stop codon.
Molecular consequence: nonsense.
Genome position (GRCh38, 1-based): chr6:31,785,583, C>T on the plus strand (G>A on the coding strand, the complement: VARS1 is on the minus strand). VCF-style: chr6-31785583-C-T. GRCh37 (hg19) VCF-style: chr6-31753360-C-T.
Other names: short protein forms W417*.
Identifiers: ClinVar variation 2082700 (VCV002082700.1), dbSNP rs2480863500, ClinGen allele CA363469909.

ClinVar aggregate classification (germline): Pathogenic (1 of 4 stars; one submission).

Allele frequency attached by ClinVar (database versions not stated): gnomAD exomes below 0.00001.
gnomAD v4.1: 1 of 1,610,146 alleles (0.000062%); highest among the groups gnomAD compares: Non-Finnish European, 0.000085%; no homozygotes.

Submission:

Labcorp Genetics (formerly Invitae), Labcorp
Classification: Pathogenic. Last evaluated: 2022-07-05. Review status: criteria provided, single submitter. Criteria: Invitae Variant Classification Sherloc (09022015). Collection method: clinical testing. Allele origin: germline.
Comment: This sequence change creates a premature translational stop signal (p.Trp417*) in the VARS gene. It is expected to result in an absent or disrupted protein product. Loss-of-function variants in VARS are known to be pathogenic (PMID: 30755602, 30755616). This variant is not present in population databases (gnomAD no frequency). This variant has not been reported in the literature in individuals affected with VARS-related conditions. For these reasons, this variant has been classified as Pathogenic.

Literature cited by the submitters: PubMed 30755602; PubMed 30755616.